The following is an entry in ClinVar:

NM_002354.3(EPCAM):c.577A>G (p.Ile193Val)

Gene: EPCAM (epithelial cell adhesion molecule; plus strand). Cytogenetic location: 2p21.
Variant type: single nucleotide variant.
Coding change: c.577A>G on transcript NM_002354.3 (MANE Select); coding-DNA position 577, A replaced by G.
Protein change: p.Ile193Val; replaces isoleucine 193 with valine.
Molecular consequence: missense variant.
Genome position (GRCh38, 1-based): chr2:47,378,974, A>G. VCF-style: chr2-47378974-A-G. GRCh37 (hg19) VCF-style: chr2-47606113-A-G.
Other names: short protein forms I193V.
Identifiers: ClinVar variation 136027 (VCV000136027.39), dbSNP rs200676965, ClinGen allele CA332791.

ClinVar aggregate classification (germline): Uncertain significance. Review status: criteria provided, multiple submitters, no conflicts (2 of 4 stars). 8 submissions from 8 submitters: Uncertain significance (7). 1 of the submissions does not count toward it. Last evaluated 2026-02-20.

Conditions:
EPCAM-related disorder. Also called: EPCAM-related condition.
Lynch syndrome 8 (LYNCH8). Also called: Colorectal cancer, hereditary nonpolyposis, type 8. Identifiers: Orphanet 144, MedGen C2750471, MONDO:0013196, OMIM 613244.
Congenital diarrhea 5 with tufting enteropathy. Also called: INTESTINAL EPITHELIAL CELL DYSPLASIA; Congenital tufting enteropathy. Identifiers: Orphanet 92050, MedGen C2750737, MONDO:0013184, OMIM 613217.

Allele frequency attached by ClinVar (database versions not stated): ExAC 0.00012; ESP Exome Variant Server 0.00015; gnomAD exomes 0.00019 and 0.00034; gnomAD 0.00027 and 0.00029; TOPMed 0.00029.
gnomAD v4.1: 513 of 1,564,256 alleles (0.033%); highest among the groups gnomAD compares: Non-Finnish European, 0.043%; no homozygotes.

Submissions (8):

St. Jude Molecular Pathology, St. Jude Children's Research Hospital
Classification: Uncertain significance for Lynch syndrome 8. Last evaluated: 2026-02-20. Review status: criteria provided, single submitter. Criteria: St. Jude Assertion Criteria 2020. Collection method: clinical testing. Allele origin: germline.
Comment: the EPCAM gene result in Lynch syndrome (also known as hereditary nonpolyposis colorectal cancer; HNPCC), an inherited disorder that increases the risk of many types of cancer, most notably colorectal cancers (OM IM ID: 613244). Of note, most individuals diagnosed with EPCAM-related Lynch syndrome to date have had 3Ã¢ € ™ EPCAM deletions. Pathogenic variants affecting both copies of the EPCAM gene are associated with congenital tufting enteropathy (OMIM ID: 61321 7). The EPCAM c.577A>G p.(Ile193Val) missense variant has a maximum subpopulation frequency of 0.040% in gnomAD v2.1.1. The in silico tool REVEL predicts a benign effect on protein function, but to our knowledge this prediction has not been confirmed by functional studies. To our knowledge, this variant has not been reported in individuals with Lynch syndrome. In summary, the evidence currently available is insufficient to determine the clinical significance of this variant. It has therefore been classified as of uncertain significance.

PreventionGenetics, part of Exact Sciences
Classification: Uncertain significance for EPCAM-related condition. Last evaluated: 2025-08-15. Review status: criteria provided, single submitter. Criteria: ACMG Guidelines, 2015. Collection method: clinical testing. Allele origin: germline.
Comment: The EPCAM c.577A>G variant is predicted to result in the amino acid substitution p.Ile193Val. To our knowledge, this variant has not been reported in the literature in a patient with an EPCAM related disorder. This variant is reported in 0.040% of alleles in individuals of European (Non-Finnish) descent in gnomAD and has been interpreted as variant of uncertain significance in the ClinVar database. At this time, the clinical significance of this variant is uncertain due to the absence of conclusive functional and genetic evidence.

Labcorp Genetics (formerly Invitae), Labcorp
Classification: Uncertain significance. Last evaluated: 2022-07-19. Review status: criteria provided, single submitter. Criteria: Invitae Variant Classification Sherloc (09022015). Collection method: clinical testing. Allele origin: germline.
Comment: In summary, the available evidence is currently insufficient to determine the role of this variant in disease. Therefore, it has been classified as a Variant of Uncertain Significance. Algorithms developed to predict the effect of missense changes on protein structure and function (SIFT, PolyPhen-2, Align-GVGD) all suggest that this variant is likely to be tolerated. ClinVar contains an entry for this variant (Variation ID: 136027). This variant has not been reported in the literature in individuals affected with EPCAM-related conditions. This variant is present in population databases (rs200676965, gnomAD 0.04%). This sequence change replaces isoleucine, which is neutral and non-polar, with valine, which is neutral and non-polar, at codon 193 of the EPCAM protein (p.Ile193Val).

Institute for Clinical Genetics, University Hospital TU Dresden, University Hospital TU Dresden
Classification: Uncertain significance. Last evaluated: 2021-11-03. Review status: criteria provided, single submitter. Criteria: ACMG Guidelines, 2015. Collection method: clinical testing. Allele origin: germline.

MGZ Medical Genetics Center
Classification: Uncertain significance for Lynch syndrome 8. Last evaluated: 2021-10-29. Review status: criteria provided, single submitter. Criteria: ACMG Guidelines, 2015. Collection method: clinical testing. Allele origin: germline. Affected: yes. Observed: 1 variant allele.
Comment: ACMG criteria applied: BP4

Genetic Services Laboratory, University of Chicago
Classification: Uncertain significance. Last evaluated: 2021-07-27. Review status: criteria provided, single submitter. Criteria: ACMG Guidelines, 2015. Collection method: clinical testing. Allele origin: germline. Affected: no.
Comment: DNA sequence analysis of the EPCAM gene demonstrated a sequence change, c.577A>G, in exon 6 that results in an amino acid change, p.Ile193Val. This sequence change has been described in the gnomAD database with a frequency of 0.04% in the non-Finnish European sub-population (dbSNP rs200676965). The p.Ile193Val change affects a highly conserved amino acid residue located in a domain of the EPCAM protein that is not known to be functional. In-silico pathogenicity prediction tools (SIFT, PolyPhen2, Align GVGD, REVEL) provide contradictory results for the p.Ile193Val substitution. This sequence change does not appear to have been previously described in individuals with EPCAM-related disorders. Due to insufficient evidences and the lack of functional studies, the clinical significance of the p.Ile193Val change remains unknown at this time.

Fulgent Genetics
Classification: Uncertain significance for Congenital diarrhea 5 with tufting enteropathy; Lynch syndrome 8. Last evaluated: 2018-10-31. Review status: criteria provided, single submitter. Criteria: ACMG Guidelines, 2015. Collection method: clinical testing. Allele origin: unknown.

Department of Pathology and Laboratory Medicine, Sinai Health System
Classification: Likely benign. Review status: no assertion criteria provided. Collection method: clinical testing. Allele origin: unknown. Affected: yes. Study: The Canadian Open Genetics Repository (COGR). Not counted in ClinVar's aggregate classification.
Comment: The EPCAM p.Ile193Val variant was not identified in the literature nor was it identified in Cosmic or LOVD 3.0. The variant was identified in dbSNP (ID: rs200676965) and ClinVar (classified as uncertain significane by PreventionGenetics, Fulgent Genetics, Illumina and Invitae). The variant was identified in control databases in 60 of 282506 chromosomes at a frequency of 0.0002124 (Genome Aggregation Database March 6, 2019, v2.1.1). The variant was observed in the following populations: European (non-Finnish) in 52 of 128920 chromosomes (freq: 0.000403), African in 7 of 24924 chromosomes (freq: 0.000281) and Latino in 1 of 35426 chromosomes (freq: 0.000028), but was not observed in the Ashkenazi Jewish, East Asian, European (Finnish), Other, or South Asian populations. The p.Ile193 residue is conserved in mammals but not in more distantly related organisms however four out of five computational analyses (PolyPhen-2, SIFT, AlignGVGD, BLOSUM, MutationTaster) do not suggest a high likelihood of impact to the protein; this information is not predictive enough to rule out pathogenicity. The variant occurs outside of the splicing consensus sequence and in silico or computational prediction software programs (SpliceSiteFinder, MaxEntScan, NNSPLICE, GeneSplicer) do not predict a difference in splicing. In summary, based on the above information the clinical significance of this variant cannot be determined with certainty at this time although we would lean towards a more benign role for this variant. This variant is classified as likely benign.